The following is an entry in ClinVar:

NM_030973.4(MED25):c.1101+1G>A

Gene: MED25 (mediator complex subunit 25; plus strand). Cytogenetic location: 19q13.33.
Variant type: single nucleotide variant.
Coding change: c.1101+1G>A on transcript NM_030973.4 (MANE Select); the canonical splice donor site of the intron after coding-DNA position 1101, G replaced by A.
Molecular consequence: splice donor variant.
Genome position (GRCh38, 1-based): chr19:49,830,888, G>A. VCF-style: chr19-49830888-G-A. GRCh37 (hg19) VCF-style: chr19-50334145-G-A.
Other names: c.1101+1G>A (NM_001378355.1).
Identifiers: ClinVar variation 1352413 (VCV001352413.6), dbSNP rs769486726, ClinGen allele CA9585132.

ClinVar aggregate classification (germline): Uncertain significance (1 of 4 stars; one submission).

Conditions:
Charcot-Marie-Tooth disease type 2. Also called: Charcot-Marie-Tooth type 2. Identifiers: Orphanet 64746, MedGen C0270914, MONDO:0018993.

Allele frequency attached by ClinVar (database versions not stated): ExAC 0.00002; gnomAD exomes below 0.00001 and 0.00001.
gnomAD v4.1: 2 of 1,603,876 alleles (0.00012%); highest among the groups gnomAD compares: Admixed American, 0.0017%; no homozygotes.

Submission:

Labcorp Genetics (formerly Invitae), Labcorp
Classification: Uncertain significance for Charcot-Marie-Tooth disease type 2. Last evaluated: 2025-09-24. Review status: criteria provided, single submitter. Criteria: Invitae Variant Classification Sherloc (09022015). Collection method: clinical testing. Allele origin: germline.
Comment: This sequence change affects a donor splice site in intron 9 of the MED25 gene. It is expected to disrupt RNA splicing. Variants that disrupt the donor or acceptor splice site typically lead to a loss of protein function (PMID: 16199547), however the current clinical and genetic evidence is not sufficient to establish whether loss-of-function variants in MED25 cause disease. This variant is present in population databases (rs769486726, gnomAD 0.003%). This variant has not been reported in the literature in individuals affected with MED25-related conditions. ClinVar contains an entry for this variant (Variation ID: 1352413). Algorithms developed to predict the effect of sequence changes on RNA splicing suggest that this variant may disrupt the consensus splice site. In summary, the available evidence is currently insufficient to determine the role of this variant in disease. Therefore, it has been classified as a Variant of Uncertain Significance.

Literature cited by the submitters: PubMed 16199547.